The following is an entry in ClinVar:

ClinVar aggregate classification (germline): Uncertain significance. Review status: criteria provided, multiple submitters, no conflicts (2 of 4 stars). 3 submissions from 3 submitters: Uncertain significance (3). Last evaluated 2025-09-26.

Conditions:
Inborn genetic diseases. Identifiers: MedGen C0950123, MeSH D030342.
Nephrolithiasis susceptibility caused by SLC26A1 (CAON1). Also called: NEPHROLITHIASIS, CALCIUM OXALATE, 1. Identifiers: MedGen C5779632, MONDO:0020722, OMIM 167030.
Hypersulfaturia (HYSULF). Identifiers: MedGen C5830511, MONDO:0957268, OMIM 620372.

Allele frequency attached by ClinVar (database versions not stated): gnomAD exomes 0.00002; ExAC 0.00004; ESP Exome Variant Server 0.00008; gnomAD 0.00014 and 0.00015; TOPMed 0.00017; 1000 Genomes Project 0.00040; 1000 Genomes Project 30x 0.00047.
gnomAD v4.1: 33 of 1,605,456 alleles (0.0021%); highest among the groups gnomAD compares: African/African-American, 0.041%; no homozygotes.

Submissions (3):

Ambry Genetics
Classification: Uncertain significance for Inborn genetic diseases. Last evaluated: 2025-09-26. Review status: criteria provided, single submitter. Criteria: Ambry Variant Classification Scheme 2023. Collection method: clinical testing. Allele origin: germline.

Labcorp Genetics (formerly Invitae), Labcorp
Classification: Uncertain significance. Last evaluated: 2025-06-12. Review status: criteria provided, single submitter. Criteria: Invitae Variant Classification Sherloc (09022015). Collection method: clinical testing. Allele origin: germline.
Comment: This sequence change replaces aspartic acid, which is acidic and polar, with histidine, which is basic and polar, at codon 52 of the SLC26A1 protein (p.Asp52His). This variant is present in population databases (rs147553032, gnomAD 0.04%). This variant has not been reported in the literature in individuals affected with SLC26A1-related conditions. ClinVar contains an entry for this variant (Variation ID: 939365). Invitae Evidence Modeling of protein sequence and biophysical properties (such as structural, functional, and spatial information, amino acid conservation, physicochemical variation, residue mobility, and thermodynamic stability) indicates that this missense variant is not expected to disrupt SLC26A1 protein function with a negative predictive value of 80%. In summary, the available evidence is currently insufficient to determine the role of this variant in disease. Therefore, it has been classified as a Variant of Uncertain Significance.

Fulgent Genetics
Classification: Uncertain significance for Nephrolithiasis susceptibility caused by SLC26A1; Hypersulfaturia. Last evaluated: 2024-05-21. Review status: criteria provided, single submitter. Criteria: ACMG Guidelines, 2015. Collection method: clinical testing. Allele origin: germline.

NM_022042.4(SLC26A1):c.154G>C (p.Asp52His)

Genes: IDUA (alpha-L-iduronidase; plus strand), SLC26A1 (solute carrier family 26 member 1; minus strand). Cytogenetic location: 4p16.3.
Variant type: single nucleotide variant.
Coding change: c.154G>C on transcript NM_022042.4 (MANE Select); coding-DNA position 154, G replaced by C.
Protein change: p.Asp52His; replaces aspartic acid 52 with histidine.
Molecular consequence: missense variant. On other transcripts: intron variant (1).
Genome position (GRCh38, 1-based): chr4:991,550, C>G on the plus strand (G>C on the coding strand, the complement: SLC26A1 is on the minus strand). VCF-style: chr4-991550-C-G. GRCh37 (hg19) VCF-style: chr4-985338-C-G.
Other names: c.154G>C, p.Asp52His (NM_134425.4, NM_213613.4); c.299+3601C>G (NM_000203.5); c.154G>C (NM_213613.2); short protein forms D52H.
Identifiers: ClinVar variation 939365 (VCV000939365.12), dbSNP rs147553032, ClinGen allele CA2801759.